The following is an entry in ClinVar:

ClinVar aggregate classification (germline): Benign/Likely benign. Review status: criteria provided, multiple submitters, no conflicts (2 of 4 stars). 2 submissions from 2 submitters: Benign (1); Likely benign (1). Last evaluated 2025-05-30.

Conditions:
Brain small vessel disease 2A, autosomal dominant. Also called: Porencephaly 2. Identifiers: Orphanet 2940, Orphanet 99810, MedGen C3280970, MONDO:0013773, OMIM 614483.

Allele frequency attached by ClinVar (database versions not stated): gnomAD exomes 0.00003; ExAC 0.00006; gnomAD 0.00007; ESP Exome Variant Server 0.00008; TOPMed 0.00008.
gnomAD v4.1: 44 of 1,612,356 alleles (0.0027%); highest among the groups gnomAD compares: African/African-American, 0.019%; no homozygotes.

Submissions (2):

Labcorp Genetics (formerly Invitae), Labcorp
Classification: Likely benign. Last evaluated: 2025-05-30. Review status: criteria provided, single submitter. Criteria: Invitae Variant Classification Sherloc (09022015). Collection method: clinical testing. Allele origin: germline.

Illumina Laboratory Services, Illumina
Classification: Benign for Brain small vessel disease 2A, autosomal dominant. Last evaluated: 2018-01-12. Review status: criteria provided, single submitter. Criteria: ICSL Variant Classification Criteria 13 December 2019. Collection method: clinical testing. Allele origin: germline.
Comment: This variant was observed in the ICSL laboratory as part of a predisposition screen in an ostensibly healthy population. It had not been previously curated by ICSL or reported in the Human Gene Mutation Database (HGMD: prior to June 1st, 2018), and was therefore a candidate for classification through an automated scoring system. Utilizing variant allele frequency, disease prevalence and penetrance estimates, and inheritance mode, an automated score was calculated to assess if this variant is too frequent to cause the disease. Based on the score and internal cut-off values, a variant classified as benign is not then subjected to further curation. The score for this variant resulted in a classification of benign for this disease.

NM_001846.4(COL4A2):c.4436C>T (p.Pro1479Leu)

Genes: COL4A2 (collagen type IV alpha 2 chain; plus strand), COL4A2-AS1 (COL4A2 antisense RNA 1; minus strand). Cytogenetic location: 13q34.
Variant type: single nucleotide variant.
Coding change: c.4436C>T on transcript NM_001846.4 (MANE Select); coding-DNA position 4436, C replaced by T.
Protein change: p.Pro1479Leu; replaces proline 1479 with leucine.
Molecular consequence: missense variant.
Genome position (GRCh38, 1-based): chr13:110,506,448, C>T. VCF-style: chr13-110506448-C-T. GRCh37 (hg19) VCF-style: chr13-111158795-C-T.
Other names: short protein forms P1479L.
Identifiers: ClinVar variation 311178 (VCV000311178.9), dbSNP rs377115391, ClinGen allele CA7050540.